The following is an entry in ClinVar:

ClinVar aggregate classification (germline): Uncertain significance (1 of 4 stars; one submission).

Allele frequency attached by ClinVar (database versions not stated): gnomAD 0.00001.
gnomAD v4.1: 2 of 1,596,830 alleles (0.00013%); highest among the groups gnomAD compares: Admixed American, 0.0017%; no homozygotes.

Submission:

Genetic Services Laboratory, University of Chicago
Classification: Uncertain significance. Last evaluated: 2021-10-01. Review status: criteria provided, single submitter. Criteria: ACMG Guidelines, 2015. Collection method: clinical testing. Allele origin: germline. Affected: no.
Comment: DNA sequence analysis of the ITGA2B gene demonstrated a sequence change, c.1052G>A, in exon 12 that results in an amino acid change, p.Arg351Gln. This sequence change has been described in the gnomAD database in a single individual which corresponds to a population frequency of 0.00046% (dbSNP rs1271894177). The p.Arg351Gln change affects a poorly conserved amino acid residue located in a domain of the ITGA2B protein that is known to be functional. The p.Arg351Gln substitution appears to be benign using several in-silico pathogenicity prediction tools (SIFT, PolyPhen2, Align GVGD, REVEL). This sequence change does not appear to have been previously described in individuals with ITGA2B-related disorders. Due to insufficient evidences and the lack of functional studies, the clinical significance of the p.Arg351Gln change remains unknown at this time.

NM_000419.5(ITGA2B):c.1052G>A (p.Arg351Gln)

Gene: ITGA2B (integrin subunit alpha 2b; minus strand). Cytogenetic location: 17q21.31.
Variant type: single nucleotide variant.
Coding change: c.1052G>A on transcript NM_000419.5 (MANE Select); coding-DNA position 1052, G replaced by A.
Protein change: p.Arg351Gln; replaces arginine 351 with glutamine.
Molecular consequence: missense variant.
Genome position (GRCh38, 1-based): chr17:44,383,651, C>T on the plus strand (G>A on the coding strand, the complement: ITGA2B is on the minus strand). VCF-style: chr17-44383651-C-T. GRCh37 (hg19) VCF-style: chr17-42461019-C-T.
Other names: short protein forms R351Q.
Identifiers: ClinVar variation 1338098 (VCV001338098.4), dbSNP rs1271894177, ClinGen allele CA399804567.